The following is an entry in ClinVar:

ClinVar aggregate classification (germline): Uncertain significance (1 of 4 stars; one submission).

Submission:

Labcorp Genetics (formerly Invitae), Labcorp
Classification: Uncertain significance. Last evaluated: 2023-10-14. Review status: criteria provided, single submitter. Criteria: Invitae Variant Classification Sherloc (09022015). Collection method: clinical testing. Allele origin: germline.
Comment: This sequence change replaces serine, which is neutral and polar, with threonine, which is neutral and polar, at codon 250 of the SMAD2 protein (p.Ser250Thr). This variant is not present in population databases (gnomAD no frequency). This variant has not been reported in the literature in individuals affected with SMAD2-related conditions. Advanced modeling of protein sequence and biophysical properties (such as structural, functional, and spatial information, amino acid conservation, physicochemical variation, residue mobility, and thermodynamic stability) performed at Invitae indicates that this missense variant is not expected to disrupt SMAD2 protein function. In summary, the available evidence is currently insufficient to determine the role of this variant in disease. Therefore, it has been classified as a Variant of Uncertain Significance.

NM_005901.6(SMAD2):c.748T>A (p.Ser250Thr)

Gene: SMAD2 (SMAD family member 2; minus strand). Cytogenetic location: 18q21.1.
Variant type: single nucleotide variant.
Coding change: c.748T>A on transcript NM_005901.6 (MANE Select); coding-DNA position 748, T replaced by A.
Protein change: p.Ser250Thr; replaces serine 250 with threonine.
Molecular consequence: missense variant.
Genome position (GRCh38, 1-based): chr18:47,851,310, A>T on the plus strand (T>A on the coding strand, the complement: SMAD2 is on the minus strand). VCF-style: chr18-47851310-A-T. GRCh37 (hg19) VCF-style: chr18-45377681-A-T.
Other names: c.658T>A, p.Ser220Thr (NM_001135937.3); c.748T>A, p.Ser250Thr (NM_001003652.4); short protein forms S220T, S250T.
Identifiers: ClinVar variation 2768552 (VCV002768552.3), dbSNP rs752743372, ClinGen allele CA402504798.